The following is an entry in ClinVar:

NM_006329.4(FBLN5):c.195G>C (p.Gly65=)

Gene: FBLN5 (fibulin 5; minus strand). Cytogenetic location: 14q32.12.
Variant type: single nucleotide variant.
Coding change: c.195G>C on transcript NM_006329.4 (MANE Select); coding-DNA position 195, G replaced by C.
Protein change: p.Gly65=; no amino-acid change (glycine 65 retained).
Molecular consequence: synonymous variant.
Genome position (GRCh38, 1-based): chr14:91,937,131, C>G on the plus strand (G>C on the coding strand, the complement: FBLN5 is on the minus strand). VCF-style: chr14-91937131-C-G. GRCh37 (hg19) VCF-style: chr14-92403475-C-G.
Other names: c.318G>C, p.Gly106= (NM_001384158.1); c.246G>C, p.Gly82= (NM_001384159.1); c.195G>C, p.Gly65= (NM_001384160.1); c.27G>C, p.Gly9= (NM_001384161.1, NM_001384162.1).
Identifiers: ClinVar variation 511882 (VCV000511882.5), dbSNP rs774561389, ClinGen allele CA7312914.

ClinVar aggregate classification (germline): Likely benign. Review status: criteria provided, multiple submitters, no conflicts (2 of 4 stars). 2 submissions from 2 submitters: Likely benign (2). Last evaluated 2025-06-29.

Allele frequency attached by ClinVar (database versions not stated): gnomAD exomes below 0.00001 and 0.00001; TOPMed below 0.00001; ExAC 0.00001; gnomAD 0.00001.
gnomAD v4.1: 21 of 1,613,948 alleles (0.0013%); highest among the groups gnomAD compares: Non-Finnish European, 0.0018%; no homozygotes.

Submissions (2):

Labcorp Genetics (formerly Invitae), Labcorp
Classification: Likely benign. Last evaluated: 2025-06-29. Review status: criteria provided, single submitter. Criteria: Invitae Variant Classification Sherloc (09022015). Collection method: clinical testing. Allele origin: germline.

GeneDx
Classification: Likely benign. Last evaluated: 2017-09-06. Review status: criteria provided, single submitter. Criteria: GeneDx Variant Classification (06012015). Collection method: clinical testing. Allele origin: germline. Affected: yes.
Comment: This variant is considered likely benign or benign based on one or more of the following criteria: it is a conservative change, it occurs at a poorly conserved position in the protein, it is predicted to be benign by multiple in silico algorithms, and/or has population frequency not consistent with disease.